The following is an entry in ClinVar:

NM_001370259.2(MEN1):c.1522C>A (p.Gln508Lys)

Gene: MEN1 (menin 1; minus strand). Cytogenetic location: 11q13.1.
Variant type: single nucleotide variant.
Coding change: c.1522C>A on transcript NM_001370259.2 (MANE Select); coding-DNA position 1522, C replaced by A.
Protein change: p.Gln508Lys; replaces glutamine 508 with lysine.
Molecular consequence: missense variant.
Genome position (GRCh38, 1-based): chr11:64,804,645, G>T on the plus strand (C>A on the coding strand, the complement: MEN1 is on the minus strand). VCF-style: chr11-64804645-G-T. GRCh37 (hg19) VCF-style: chr11-64572117-G-T.
Other names: c.1537C>A, p.Gln513Lys (NM_130804.3, NM_130800.3, NM_130801.3 and 3 more transcripts); c.1522C>A, p.Gln508Lys (NM_130799.3, NM_001370260.2, NM_001370261.2); c.1648C>A, p.Gln550Lys (NM_001370251.2); c.1417C>A, p.Gln473Lys (NM_001370262.2, NM_001370263.2); short protein forms Q508K, Q513K, Q473K, Q550K.
Identifiers: ClinVar variation 403081 (VCV000403081.18), dbSNP rs386833403, ClinGen allele CA060724.

ClinVar aggregate classification (germline): Conflicting classifications of pathogenicity. Review status: criteria provided, conflicting classifications (1 of 4 stars). 5 submissions from 5 submitters: Uncertain significance (3); Likely benign (2). Last evaluated 2026-01-07.

Conditions:
Hereditary cancer-predisposing syndrome. Also called: Tumor predisposition; Neoplastic Syndromes, Hereditary; Hereditary Cancer Syndrome; Hereditary neoplastic syndrome. Identifiers: Orphanet 140162, MedGen C0027672, MeSH D009386, MONDO:0015356.
Multiple endocrine neoplasia, type 1 (MEN1). Also called: MEN I; WERMER SYNDROME; Endocrine adenomatosis multiple; MEN 1; MEA I. Identifiers: Orphanet 652, MedGen C0025267, MeSH D018761, MONDO:0007540, OMIM 131100.

Allele frequency attached by ClinVar (database versions not stated): ExAC 0.00001; gnomAD exomes 0.00001 and 0.00002; TOPMed 0.00002.
gnomAD v4.1: 21 of 1,602,208 alleles (0.0013%); highest among the groups gnomAD compares: Non-Finnish European, 0.0016%; no homozygotes.

Submissions (5):

Labcorp Genetics (formerly Invitae), Labcorp
Classification: Likely benign for Multiple endocrine neoplasia, type 1. Last evaluated: 2026-01-07. Review status: criteria provided, single submitter. Criteria: Invitae Variant Classification Sherloc (09022015). Collection method: clinical testing. Allele origin: germline.

Color Diagnostics, LLC DBA Color Health
Classification: Uncertain significance for Multiple endocrine neoplasia, type 1. Last evaluated: 2025-06-13. Review status: criteria provided, single submitter. Criteria: ACMG Guidelines, 2015. Collection method: clinical testing. Allele origin: germline.
Comment: This missense variant replaces glutamine with lysine at codon 513 of the MEN1 protein. This variant is also known as c.1522C>A (p.Gln508Lys) in the literature and public databases. Computational prediction is inconclusive regarding the impact of this variant on protein structure and function. To our knowledge, functional studies have not been reported for this variant. This variant has been reported in one individual suspected of being affected with MEN1 with lesions in the anterior pituitary and the pancreas (PMID: 17194968), and this variant also has been reported in three individuals from two families as likely neutral in the Universal Mutation Database (UMD_id: 1456, 1577, 1578PMID: 30339208). This variant has been identified in 4/227726 chromosomes in the general population by the Genome Aggregation Database (gnomAD). Although there is a suspicion that this variant may not be associated with disease, additional studies are necessary to determine the role of this variant in disease conclusively. Therefore, this variant is classified as a Variant of Uncertain Significance.

Baylor Genetics
Classification: Uncertain significance for Multiple Endocrine Neoplasia Type 1. Last evaluated: 2024-02-06. Review status: criteria provided, single submitter. Criteria: ACMG Guidelines, 2015. Collection method: clinical testing. Allele origin: unknown.

Ambry Genetics
Classification: Likely benign for Hereditary cancer-predisposing syndrome. Last evaluated: 2021-11-15. Review status: criteria provided, single submitter. Criteria: Ambry Variant Classification Scheme 2023. Collection method: clinical testing. Allele origin: germline.

Laboratory for Molecular Medicine, Mass General Brigham Personalized Medicine
Classification: Uncertain significance. Last evaluated: 2016-03-29. Review status: criteria provided, single submitter. Criteria: LMM Criteria. Collection method: clinical testing. Allele origin: germline.
Comment: Variant identified in a genome or exome case(s) and assessed due to predicted null impact of the variant or pathogenic assertions in the literature or databases. Disclaimer: This variant has not undergone full assessment. ExAC: 1/51192 European chromosomes

Literature cited by the submitters: PubMed 17194968 (cited by Color Diagnostics, LLC DBA Color Health and Ambry Genetics).